The following is an entry in ClinVar:

ClinVar aggregate classification (germline): Conflicting classifications of pathogenicity. Review status: criteria provided, conflicting classifications (1 of 4 stars). 11 submissions from 11 submitters: Uncertain significance (2); Benign (1); Likely benign (6). 2 of the submissions do not count toward it. Last evaluated 2026-07-01.

Conditions:
Autoinflammatory syndrome. Identifiers: Orphanet 93665, MedGen C3890737, MONDO:0019751.
Inborn genetic diseases. Identifiers: MedGen C0950123, MeSH D030342.
Familial Mediterranean fever (FMF). Also called: POLYSEROSITIS, FAMILIAL PAROXYSMAL; POLYSEROSITIS, RECURRENT; Periodic peritonitis; Benign paroxysmal peritonitis. Identifiers: Orphanet 342, MedGen C0031069, MONDO:0018088, OMIM 249100. Disease mechanism: gain of function.

Allele frequency attached by ClinVar (database versions not stated): gnomAD exomes 0.00005 and 0.00007; gnomAD 0.00006 and 0.00007; ExAC 0.00007; TOPMed 0.00007.
gnomAD v4.1: 109 of 1,614,012 alleles (0.0068%); highest among the groups gnomAD compares: South Asian, 0.019%; no homozygotes.

Submissions (11):

CeGaT Center for Human Genetics Tuebingen
Classification: Likely benign. Last evaluated: 2026-07-01. Review status: criteria provided, single submitter. Criteria: CeGaT Center For Human Genetics Tuebingen Variant Classification Criteria Version 2. Collection method: clinical testing. Allele origin: germline. Affected: yes. Observed: 2 variant alleles.
Comment: MEFV: BP4, BP7

Labcorp Genetics (formerly Invitae), Labcorp
Classification: Likely benign for Familial Mediterranean fever. Last evaluated: 2026-01-28. Review status: criteria provided, single submitter. Criteria: Invitae Variant Classification Sherloc (09022015). Collection method: clinical testing. Allele origin: germline.

Blueprint Genetics
Classification: Likely benign. Last evaluated: 2024-07-16. Review status: criteria provided, single submitter. Criteria: ACMG Guidelines, 2015. Collection method: clinical testing. Allele origin: germline.

Ambry Genetics
Classification: Likely benign for Inborn genetic diseases. Last evaluated: 2022-06-22. Review status: criteria provided, single submitter. Criteria: Ambry Variant Classification Scheme 2023. Collection method: clinical testing. Allele origin: germline.

Genome Diagnostics Laboratory, The Hospital for Sick Children
Classification: Uncertain significance for Autoinflammatory syndrome. Last evaluated: 2021-08-03. Review status: criteria provided, single submitter. Criteria: ACMG Guidelines, 2015. Collection method: clinical testing. Allele origin: germline. Affected: yes.

Women's Health and Genetics/Laboratory Corporation of America, LabCorp
Classification: Likely benign. Last evaluated: 2021-03-14. Review status: criteria provided, single submitter. Criteria: LabCorp Variant Classification Summary - May 2015. Collection method: clinical testing. Allele origin: germline.

ARUP Laboratories, Molecular Genetics and Genomics, ARUP Laboratories
Classification: Likely benign. Last evaluated: 2019-02-23. Review status: criteria provided, single submitter. Criteria: ARUP Molecular Germline Variant Investigation Process. Collection method: clinical testing. Allele origin: germline.

Illumina Laboratory Services, Illumina
Classification: Uncertain significance for Familial Mediterranean fever. Last evaluated: 2017-04-27. Review status: criteria provided, single submitter. Criteria: ICSL Variant Classification Criteria 13 December 2019. Collection method: clinical testing. Allele origin: germline.

GeneDx
Classification: Benign. Last evaluated: 2015-03-03. Review status: criteria provided, single submitter. Criteria: GeneDx Variant Classification Process June 2021. Collection method: clinical testing. Allele origin: germline. Affected: yes.

Natera, Inc.
Classification: Likely benign for Familial Mediterranean fever. Last evaluated: 2020-01-27. Review status: no assertion criteria provided. Collection method: clinical testing. Allele origin: germline. Not counted in ClinVar's aggregate classification.

Unité médicale des maladies autoinflammatoires, CHRU Montpellier
No classification provided. Condition: Familial Mediterranean fever. Review status: no classification provided. Collection method: not provided. Allele origin: unknown. Not counted in ClinVar's aggregate classification.

Literature cited by the submitters: PubMed 9668175 (cited by Women's Health and Genetics/Laboratory Corporation of America, LabCorp); PubMed 14578331 (cited by Women's Health and Genetics/Laboratory Corporation of America, LabCorp); PubMed 24469716 (cited by Women's Health and Genetics/Laboratory Corporation of America, LabCorp); PubMed 24117178 (cited by Women's Health and Genetics/Laboratory Corporation of America, LabCorp); PubMed 20688806 (cited by Women's Health and Genetics/Laboratory Corporation of America, LabCorp); PubMed 22934972 (cited by Women's Health and Genetics/Laboratory Corporation of America, LabCorp).

NM_000243.3(MEFV):c.2049G>A (p.Ser683=)

Genes: MEFV (MEFV innate immunity regulator, pyrin; minus strand), LOC126862264 (CDK7 strongly-dependent group 2 enhancer GRCh37_chr16:3293322-3294521; plus strand). Cytogenetic location: 16p13.3.
Variant type: single nucleotide variant.
Coding change: c.2049G>A on transcript NM_000243.3 (MANE Select); coding-DNA position 2049, G replaced by A.
Protein change: p.Ser683=; no amino-acid change (serine 683 retained).
Molecular consequence: synonymous variant. On other transcripts: 3 prime UTR variant (1).
Genome position (GRCh38, 1-based): chr16:3,243,438, C>T on the plus strand (G>A on the coding strand, the complement: MEFV is on the minus strand). VCF-style: chr16-3243438-C-T. GRCh37 (hg19) VCF-style: chr16-3293438-C-T.
Other names: c.*253G>A (NM_001198536.2).
Identifiers: ClinVar variation 97482 (VCV000097482.42), dbSNP rs104895092, ClinGen allele CA280493.